The following is an entry in ClinVar:

ClinVar aggregate classification (germline): Uncertain significance (1 of 4 stars; one submission).

gnomAD v4.1: 5 of 1,522,842 alleles (0.00033%); highest among the groups gnomAD compares: Admixed American, 0.004%; no homozygotes.

Submission:

Labcorp Genetics (formerly Invitae), Labcorp
Classification: Uncertain significance. Last evaluated: 2020-03-10. Review status: criteria provided, single submitter. Criteria: Invitae Variant Classification Sherloc (09022015). Collection method: clinical testing. Allele origin: germline.
Comment: Algorithms developed to predict the effect of missense changes on protein structure and function are either unavailable or do not agree on the potential impact of this missense change (SIFT: "Deleterious"; PolyPhen-2: "Not Available"; Align-GVGD: "Class C0"). In summary, the available evidence is currently insufficient to determine the role of this variant in disease. Therefore, it has been classified as a Variant of Uncertain Significance. This variant has not been reported in the literature in individuals with PDZD7-related conditions. The frequency data for this variant in the population databases is considered unreliable, as metrics indicate insufficient coverage at this position in the ExAC database. This sequence change replaces proline with threonine at codon 740 of the PDZD7 protein (p.Pro740Thr). The proline residue is weakly conserved and there is a small physicochemical difference between proline and threonine.

NM_001195263.2(PDZD7):c.2218C>A (p.Pro740Thr)

Gene: PDZD7 (PDZ domain containing 7; minus strand). Cytogenetic location: 10q24.31.
Variant type: single nucleotide variant.
Coding change: c.2218C>A on transcript NM_001195263.2 (MANE Select); coding-DNA position 2218, C replaced by A.
Protein change: p.Pro740Thr; replaces proline 740 with threonine.
Molecular consequence: missense variant.
Genome position (GRCh38, 1-based): chr10:101,010,671, G>T on the plus strand (C>A on the coding strand, the complement: PDZD7 is on the minus strand). VCF-style: chr10-101010671-G-T. GRCh37 (hg19) VCF-style: chr10-102770428-G-T.
Other names: short protein forms P740T.
Identifiers: ClinVar variation 1006439 (VCV001006439.8), dbSNP rs1179069732, ClinGen allele CA378224896.